The following is an entry in ClinVar:

NM_000551.4(VHL):c.341-50G>A

Genes: VHL (von Hippel-Lindau tumor suppressor; plus strand), LOC107303340 (3p25 von Hippel-Lindau tumor suppressor, E3 ubiquitin protein ligase Alu-mediated recombination region; plus strand). Cytogenetic location: 3p25.3.
Variant type: single nucleotide variant.
Coding change: c.341-50G>A on transcript NM_000551.4 (MANE Select); 50 bases into the intron before coding-DNA position 341, G replaced by A.
Molecular consequence: intron variant.
Genome position (GRCh38, 1-based): chr3:10,146,464, G>A. VCF-style: chr3-10146464-G-A. GRCh37 (hg19) VCF-style: chr3-10188148-G-A.
Other names: c.*18-3323G>A (NM_001354723.2); c.341-3323G>A (NM_198156.3).
Identifiers: ClinVar variation 3048471 (VCV003048471.2), dbSNP rs1479846552, ClinGen allele CA541213560.
Genomic context (GRCh38, chr3:10,146,464, plus strand): 5'-GACCTCATGATCCGCCTGCCTCGGCCTCCCAAAGTGCTGGGATTACAGGTGTGGGCCACC[G>A]TGCCCAGCCACCGGTGTGGCTCTTTAACAACCTTTGCTTGTCCCGATAGGTCACCTTTGG-3'

ClinVar aggregate classification (germline): Likely benign (0 of 4 stars; one submission).

Conditions:
VHL-related disorder. Also called: VHL-related condition.

Allele frequency attached by ClinVar (database versions not stated): TOPMed below 0.00001; gnomAD exomes 0.00001.
gnomAD v4.1: 16 of 1,609,356 alleles (0.00099%); highest among the groups gnomAD compares: African/African-American, 0.0027%; no homozygotes.

Submission:

PreventionGenetics, part of Exact Sciences
Classification: Likely benign for VHL-related condition. Last evaluated: 2024-01-29. Review status: no assertion criteria provided. Collection method: clinical testing. Allele origin: germline.
Comment: This variant is classified as likely benign based on ACMG/AMP sequence variant interpretation guidelines (Richards et al. 2015 PMID: 25741868, with internal and published modifications).